The following is an entry in ClinVar:

ClinVar aggregate classification (germline): Pathogenic. Review status: criteria provided, multiple submitters, no conflicts (2 of 4 stars). 2 submissions from 2 submitters: Pathogenic (2). Last evaluated 2026-08-31.

Conditions:
Cardiovascular phenotype. Identifiers: MedGen CN230736.
Hypertrophic cardiomyopathy. Also called: HYPERTROPHIC MYOCARDIOPATHY. Identifiers: Orphanet 217569, MedGen C0007194, MeSH D002312, MONDO:0005045, HP:0001639.

Submissions (2):

Ambry Genetics
Classification: Pathogenic for Cardiovascular phenotype. Last evaluated: 2026-08-31. Review status: criteria provided, single submitter. Criteria: Ambry Variant Classification Scheme 2023. Collection method: clinical testing. Allele origin: germline.
Comment: The c.3688_3691dupTTCA pathogenic mutation, located in coding exon 33 of the MYBPC3 gene, results from a duplication of TTCA at nucleotide position 3688, causing a translational frameshift with a predicted alternate stop codon (p.S1231Ifs*12). This variant was reported in individual(s) with features consistent with hypertrophic cardiomyopathy (HCM) (Erdmann J et al. J Am Coll Cardiol, 2001 Aug;38:322-30). This variant is considered to be rare based on population cohorts in the Genome Aggregation Database (gnomAD). This alteration is expected to result in loss of function by premature protein truncation or nonsense-mediated mRNA decay. As such, this alteration is interpreted as a disease-causing mutation.

Labcorp Genetics (formerly Invitae), Labcorp
Classification: Pathogenic for Hypertrophic cardiomyopathy. Last evaluated: 2025-07-02. Review status: criteria provided, single submitter. Criteria: Invitae Variant Classification Sherloc (09022015). Collection method: clinical testing. Allele origin: germline.
Comment: This sequence change creates a premature translational stop signal (p.Ser1231Ilefs*12) in the MYBPC3 gene. It is expected to result in an absent or disrupted protein product. Loss-of-function variants in MYBPC3 are known to be pathogenic (PMID: 19574547). This variant is not present in population databases (gnomAD no frequency). This premature translational stop signal has been observed in individual(s) with hypertrophic cardiomyopathy (PMID: 11499719, 28694399). It has also been observed to segregate with disease in related individuals. ClinVar contains an entry for this variant (Variation ID: 1069713). Algorithms developed to predict the effect of sequence changes on RNA splicing suggest that this variant may disrupt the consensus splice site. For these reasons, this variant has been classified as Pathogenic.

Literature cited by the submitters: PubMed 11499719 (cited by Ambry Genetics and Labcorp Genetics (formerly Invitae), Labcorp); PubMed 19574547 (cited by Labcorp Genetics (formerly Invitae), Labcorp); PubMed 28694399 (cited by Labcorp Genetics (formerly Invitae), Labcorp).

NM_000256.3(MYBPC3):c.3688_3691dup (p.Ser1231fs)

Gene: MYBPC3 (myosin binding protein C3; minus strand). Cytogenetic location: 11p11.2.
Variant type: Duplication.
Coding change: c.3688_3691dup on transcript NM_000256.3 (MANE Select); coding-DNA positions 3688 to 3691, 4 bases duplicated (TTCA; older notation c.3688_3691dupTTCA).
Protein change: p.Ser1231fs; shifts the reading frame from serine 1231.
Molecular consequence: frameshift variant.
Genome position (GRCh38, 1-based): chr11:47,332,195-47,332,198, TGAA duplicated on the plus strand (TTCA on the coding strand, the reverse complement: MYBPC3 is on the minus strand). VCF-style (leftmost placement, unchanged base first): chr11-47332194-C-CTGAA. GRCh37 (hg19) VCF-style: chr11-47353745-C-CTGAA.
Other names: c.3688_3691dupTTCA (NM_000256.3); short protein forms S1231fs.
Identifiers: ClinVar variation 1069713 (VCV001069713.10), dbSNP rs2142849434, ClinGen allele CA2499220958.